The following is an entry in ClinVar:

NM_001845.6(COL4A1):c.1000G>T (p.Val334Phe)

Gene: COL4A1 (collagen type IV alpha 1 chain; minus strand). Cytogenetic location: 13q34.
Variant type: single nucleotide variant.
Coding change: c.1000G>T on transcript NM_001845.6 (MANE Select); coding-DNA position 1000, G replaced by T.
Protein change: p.Val334Phe; replaces valine 334 with phenylalanine.
Molecular consequence: missense variant.
Genome position (GRCh38, 1-based): chr13:110,201,522, C>A on the plus strand (G>T on the coding strand, the complement: COL4A1 is on the minus strand). VCF-style: chr13-110201522-C-A. GRCh37 (hg19) VCF-style: chr13-110853869-C-A.
Other names: c.1000G>T, p.Val334Phe (NM_001303110.2); short protein forms V334F.
Identifiers: ClinVar variation 2714558 (VCV002714558.3), dbSNP rs1181110645, ClinGen allele CA388724487.
Genomic context (GRCh38, chr13:110,201,522, plus strand): 5'-GCCCCGGAGTTCCAGGGTAGCCCCTCTCTCCTTTTTCTCCCAAAGGTCCTGTGCCTATAA[C>A]CTGAATCGAGAAGGAAAAGGTGATCATCCCGTGGCATGGGAATGGCTAGTCCTGTATAGT-3'
Protein context (NP_001836.3, residues 324-344): EAGPPGPPGI[Val334Phe]IGTGPLGEKG

ClinVar aggregate classification (germline): Uncertain significance (1 of 4 stars; one submission).

gnomAD v4.1: 1 of 1,614,028 alleles (0.000062%); highest among the groups gnomAD compares: South Asian, 0.0011%; no homozygotes.

Submission:

Labcorp Genetics (formerly Invitae), Labcorp
Classification: Uncertain significance. Last evaluated: 2024-01-31. Review status: criteria provided, single submitter. Criteria: Invitae Variant Classification Sherloc (09022015). Collection method: clinical testing. Allele origin: germline.
Comment: This sequence change replaces valine, which is neutral and non-polar, with phenylalanine, which is neutral and non-polar, at codon 334 of the COL4A1 protein (p.Val334Phe). This variant is present in population databases (no rsID available, gnomAD 0.003%). This variant has not been reported in the literature in individuals affected with COL4A1-related conditions. Experimental studies and prediction algorithms are not available or were not evaluated, and the functional significance of this variant is currently unknown. In summary, the available evidence is currently insufficient to determine the role of this variant in disease. Therefore, it has been classified as a Variant of Uncertain Significance.